The following is an entry in ClinVar:

ClinVar aggregate classification (germline): Uncertain significance (1 of 4 stars; one submission).

Conditions:
Imerslund-Grasbeck syndrome. Also called: Imerslund-Gräsbeck syndrome; ENTEROCYTE COBALAMIN MALABSORPTION; ENTEROCYTE INTRINSIC FACTOR RECEPTOR, DEFECT OF; PERNICIOUS ANEMIA, JUVENILE, DUE TO SELECTIVE INTESTINAL MALABSORPTION OF VITAMIN B12, WITH PROTEINURIA; Megaloblastic anemia due to inborn errors of metabolism. Identifiers: Orphanet 35858, MedGen C4551825, MONDO:0009853.

Allele frequency attached by ClinVar (database versions not stated): TOPMed 0.00001.

Submission:

Labcorp Genetics (formerly Invitae), Labcorp
Classification: Uncertain significance for Imerslund-Grasbeck syndrome. Last evaluated: 2025-06-12. Review status: criteria provided, single submitter. Criteria: Invitae Variant Classification Sherloc (09022015). Collection method: clinical testing. Allele origin: germline.
Comment: This sequence change replaces arginine, which is basic and polar, with leucine, which is neutral and non-polar, at codon 269 of the AMN protein (p.Arg269Leu). This variant is not present in population databases (gnomAD no frequency). This variant has not been reported in the literature in individuals affected with AMN-related conditions. ClinVar contains an entry for this variant (Variation ID: 1946439). Invitae Evidence Modeling of protein sequence and biophysical properties (such as structural, functional, and spatial information, amino acid conservation, physicochemical variation, residue mobility, and thermodynamic stability) indicates that this missense variant is not expected to disrupt AMN protein function with a negative predictive value of 80%. In summary, the available evidence is currently insufficient to determine the role of this variant in disease. Therefore, it has been classified as a Variant of Uncertain Significance.

NM_030943.4(AMN):c.806G>T (p.Arg269Leu)

Gene: AMN (amnion associated transmembrane protein; plus strand). Cytogenetic location: 14q32.32.
Variant type: single nucleotide variant.
Coding change: c.806G>T on transcript NM_030943.4 (MANE Select); coding-DNA position 806, G replaced by T.
Protein change: p.Arg269Leu; replaces arginine 269 with leucine.
Molecular consequence: missense variant.
Genome position (GRCh38, 1-based): chr14:102,929,700, G>T. VCF-style: chr14-102929700-G-T. GRCh37 (hg19) VCF-style: chr14-103396037-G-T.
Other names: short protein forms R269L.
Identifiers: ClinVar variation 1946439 (VCV001946439.3), dbSNP rs1259117499, ClinGen allele CA391082644.